The following is an entry in ClinVar:

ClinVar aggregate classification (germline): Uncertain significance. Review status: criteria provided, multiple submitters, no conflicts (2 of 4 stars). 2 submissions from 2 submitters: Uncertain significance (2). Last evaluated 2024-01-17.

Conditions:
Inborn genetic diseases. Identifiers: MedGen C0950123, MeSH D030342.

gnomAD v4.1: 60 of 1,613,926 alleles (0.0037%); highest among the groups gnomAD compares: Non-Finnish European, 0.0049%; no homozygotes.

Submissions (2):

Ambry Genetics
Classification: Uncertain significance for Inborn genetic diseases. Last evaluated: 2024-01-17. Review status: criteria provided, single submitter. Criteria: Ambry Variant Classification Scheme 2023. Collection method: clinical testing. Allele origin: germline.

GeneDx
Classification: Uncertain significance. Last evaluated: 2023-11-18. Review status: criteria provided, single submitter. Criteria: GeneDx Variant Classification Process June 2021. Collection method: clinical testing. Allele origin: germline. Affected: yes.
Comment: Not observed at significant frequency in large population cohorts (gnomAD); In silico analysis supports that this missense variant has a deleterious effect on protein structure/function; Has not been previously published as pathogenic or benign to our knowledge

NM_015378.4(VPS13D):c.832C>T (p.Leu278Phe)

Gene: VPS13D (vacuolar protein sorting 13 homolog D; plus strand). Cytogenetic location: 1p36.22.
Variant type: single nucleotide variant.
Coding change: c.832C>T on transcript NM_015378.4 (MANE Select); coding-DNA position 832, C replaced by T.
Protein change: p.Leu278Phe; replaces leucine 278 with phenylalanine.
Molecular consequence: missense variant.
Genome position (GRCh38, 1-based): chr1:12,256,495, C>T. VCF-style: chr1-12256495-C-T. GRCh37 (hg19) VCF-style: chr1-12316552-C-T.
Other names: c.832C>T, p.Leu278Phe (NM_018156.4); c.832C>T (NM_015378.3); short protein forms L278F.
Identifiers: ClinVar variation 3188824 (VCV003188824.2), dbSNP rs757588941, ClinGen allele CA601327.